The following is an entry in ClinVar:

NM_199242.3(UNC13D):c.2851C>T (p.Gln951Ter)

Genes: UNC13D (unc-13 homolog D; minus strand), LOC112533672 (Sharpr-MPRA regulatory region 1193; plus strand). Cytogenetic location: 17q25.1.
Variant type: single nucleotide variant.
Coding change: c.2851C>T on transcript NM_199242.3 (MANE Select); coding-DNA position 2851, C replaced by T.
Protein change: p.Gln951Ter; replaces glutamine 951 with a stop codon.
Molecular consequence: nonsense.
Genome position (GRCh38, 1-based): chr17:75,830,131, G>A on the plus strand (C>T on the coding strand, the complement: UNC13D is on the minus strand). VCF-style: chr17-75830131-G-A. GRCh37 (hg19) VCF-style: chr17-73826212-G-A.
Other names: short protein forms Q951*.
Identifiers: ClinVar variation 1420143 (VCV001420143.7), dbSNP rs2064860460, ClinGen allele CA401078617.
Genomic context (GRCh38, chr17:75,830,131, plus strand): 5'-GCTTCTGGGTCTCCCGGGCGGCCAGCTCAGGGAACTCATGCCTGGGCTCCAAGGTCAGCT[G>A]GACAAAGGGGTCGCTGGAGCCTGGTAAGTGGCCGGGGAGTGTGCGTCAGCTGAGGGTCTC-3'

ClinVar aggregate classification (germline): Pathogenic (1 of 4 stars; one submission).

Conditions:
Familial hemophagocytic lymphohistiocytosis 3 (FHL3). Also called: UNC13D-Related Familial Hemophagocytic Lymphohistiocytosis (UNC13D-fHLH). Identifiers: Orphanet 540, MedGen C1837174, MONDO:0012146, OMIM 608898.

Allele frequency attached by ClinVar (database versions not stated): gnomAD 0.00001.

Submission:

Labcorp Genetics (formerly Invitae), Labcorp
Classification: Pathogenic for Familial hemophagocytic lymphohistiocytosis 3. Last evaluated: 2022-07-05. Review status: criteria provided, single submitter. Criteria: Invitae Variant Classification Sherloc (09022015). Collection method: clinical testing. Allele origin: germline.
Comment: ClinVar contains an entry for this variant (Variation ID: 1420143). This variant has not been reported in the literature in individuals affected with UNC13D-related conditions. This variant is not present in population databases (gnomAD no frequency). This sequence change creates a premature translational stop signal (p.Gln951*) in the UNC13D gene. It is expected to result in an absent or disrupted protein product. Loss-of-function variants in UNC13D are known to be pathogenic (PMID: 14622600). Algorithms developed to predict the effect of sequence changes on RNA splicing suggest that this variant may create or strengthen a splice site. For these reasons, this variant has been classified as Pathogenic.

Literature cited by the submitters: PubMed 14622600.